The following is an entry in ClinVar:

NM_018249.6(CDK5RAP2):c.3954C>T (p.Asn1318=)

Gene: CDK5RAP2 (CDK5 regulatory subunit associated protein 2; minus strand). Cytogenetic location: 9q33.2.
Variant type: single nucleotide variant.
Coding change: c.3954C>T on transcript NM_018249.6 (MANE Select); coding-DNA position 3954, C replaced by T.
Protein change: p.Asn1318=; no amino-acid change (asparagine 1318 retained).
Molecular consequence: synonymous variant. On other transcripts: non-coding transcript variant (5).
Genome position (GRCh38, 1-based): chr9:120,437,296, G>A on the plus strand (C>T on the coding strand, the complement: CDK5RAP2 is on the minus strand). VCF-style: chr9-120437296-G-A. GRCh37 (hg19) VCF-style: chr9-123199574-G-A.
Other names: c.3954C>T, p.Asn1318= (NM_001011649.3); c.3264C>T, p.Asn1088= (NM_001272039.2).
Identifiers: ClinVar variation 383443 (VCV000383443.1), dbSNP rs149441586, ClinGen allele CA5213728.

ClinVar aggregate classification (germline): Likely benign (1 of 4 stars; one submission).

Allele frequency attached by ClinVar (database versions not stated): gnomAD 0.00001 and 0.00002; gnomAD exomes 0.00003 and 0.00005; TOPMed 0.00004; ExAC 0.00007; ESP Exome Variant Server 0.00008.
gnomAD v4.1: 44 of 1,608,268 alleles (0.0027%); highest among the groups gnomAD compares: East Asian, 0.018%; no homozygotes.

Submission:

GeneDx
Classification: Likely benign. Last evaluated: 2016-02-04. Review status: criteria provided, single submitter. Criteria: GeneDx Variant Classification (06012015). Collection method: clinical testing. Allele origin: germline. Affected: yes.
Comment: This variant is considered likely benign or benign based on one or more of the following criteria: it is a conservative change, it occurs at a poorly conserved position in the protein, it is predicted to be benign by multiple in silico algorithms, and/or has population frequency not consistent with disease.